The following is an entry in ClinVar:

ClinVar aggregate classification (germline): Uncertain significance. Review status: criteria provided, multiple submitters, no conflicts (2 of 4 stars). 2 submissions from 2 submitters: Uncertain significance (2). Last evaluated 2024-04-20.

Conditions:
Hereditary cancer-predisposing syndrome. Also called: Tumor predisposition; Neoplastic Syndromes, Hereditary; Hereditary Cancer Syndrome; Hereditary neoplastic syndrome. Identifiers: Orphanet 140162, MedGen C0027672, MeSH D009386, MONDO:0015356.
Ataxia-telangiectasia syndrome (AT). Also called: ATAXIA-TELANGIECTASIA, COMPLEMENTATION GROUP A; ATAXIA-TELANGIECTASIA, FRESNO VARIANT; Ataxia-telangiectasia; Ataxia-telangiectasia, complementation group D; AT, COMPLEMENTATION GROUP C; Ataxia-telangiectasia, complementation group E. Identifiers: Orphanet 100, MedGen C0004135, MONDO:0008840, OMIM 208900.

Allele frequency attached by ClinVar (database versions not stated): TOPMed below 0.00001; gnomAD 0.00001.
gnomAD v4.1: 1 of 1,614,074 alleles (0.000062%); highest among the groups gnomAD compares: Non-Finnish European, 0.000085%; no homozygotes.

Submissions (2):

Ambry Genetics
Classification: Uncertain significance for Hereditary cancer-predisposing syndrome. Last evaluated: 2024-04-20. Review status: criteria provided, single submitter. Criteria: Ambry Variant Classification Scheme 2023. Collection method: clinical testing. Allele origin: germline.
Comment: The p.L2173F variant (also known as c.6517C>T), located in coding exon 44 of the ATM gene, results from a C to T substitution at nucleotide position 6517. The leucine at codon 2173 is replaced by phenylalanine, an amino acid with highly similar properties. In addition, this alteration is predicted to be deleterious by in silico analysis. Since supporting evidence is limited at this time, the clinical significance of this alteration remains unclear.

Labcorp Genetics (formerly Invitae), Labcorp
Classification: Uncertain significance for Ataxia-telangiectasia syndrome. Last evaluated: 2022-04-28. Review status: criteria provided, single submitter. Criteria: Invitae Variant Classification Sherloc (09022015). Collection method: clinical testing. Allele origin: germline.
Comment: This variant has not been reported in the literature in individuals affected with ATM-related conditions. In summary, the available evidence is currently insufficient to determine the role of this variant in disease. Therefore, it has been classified as a Variant of Uncertain Significance. Advanced modeling of protein sequence and biophysical properties (such as structural, functional, and spatial information, amino acid conservation, physicochemical variation, residue mobility, and thermodynamic stability) performed at Invitae indicates that this missense variant is not expected to disrupt ATM protein function. ClinVar contains an entry for this variant (Variation ID: 834623). This variant is not present in population databases (gnomAD no frequency). This sequence change replaces leucine, which is neutral and non-polar, with phenylalanine, which is neutral and non-polar, at codon 2173 of the ATM protein (p.Leu2173Phe).

NM_000051.4(ATM):c.6517C>T (p.Leu2173Phe)

Genes: ATM (ATM serine/threonine kinase; plus strand), C11orf65 (chromosome 11 open reading frame 65; minus strand). Cytogenetic location: 11q22.3.
Variant type: single nucleotide variant.
Coding change: c.6517C>T on transcript NM_000051.4 (MANE Select); coding-DNA position 6517, C replaced by T.
Protein change: p.Leu2173Phe; replaces leucine 2173 with phenylalanine.
Molecular consequence: missense variant. On other transcripts: intron variant (2).
Genome position (GRCh38, 1-based): chr11:108,321,365, C>T. VCF-style: chr11-108321365-C-T. GRCh37 (hg19) VCF-style: chr11-108192092-C-T.
Other names: c.6517C>T, p.Leu2173Phe (NM_001351834.2); c.641-12294G>A (NM_001330368.2); c.*39-12294G>A (NM_001351110.2); short protein forms L2173F.
Identifiers: ClinVar variation 834623 (VCV000834623.13), dbSNP rs1565511354, ClinGen allele CA382554155.